The following is an entry in ClinVar:

NM_001367873.1(SOX6):c.868C>G (p.Leu290Val)

Genes: SOX6 (SRY-box transcription factor 6; minus strand), LOC128772343 (melanoma risk locus-associated MPRA allelic enhancer 11:16133413; plus strand). Cytogenetic location: 11p15.2.
Variant type: single nucleotide variant.
Coding change: c.868C>G on transcript NM_001367873.1 (MANE Select); coding-DNA position 868, C replaced by G.
Protein change: p.Leu290Val; replaces leucine 290 with valine.
Molecular consequence: missense variant.
Genome position (GRCh38, 1-based): chr11:16,111,833, G>C on the plus strand (C>G on the coding strand, the complement: SOX6 is on the minus strand). VCF-style: chr11-16111833-G-C. GRCh37 (hg19) VCF-style: chr11-16133379-G-C.
Other names: c.868C>G, p.Leu290Val (NM_001145811.2, NM_001145819.2, NM_001367872.1 and 2 more transcripts); short protein forms L290V.
Identifiers: ClinVar variation 3242121 (VCV003242121.1), dbSNP rs1204624826.

ClinVar aggregate classification (germline): Uncertain significance (1 of 4 stars; one submission).

Conditions:
Tolchin-Le Caignec syndrome. Also called: INTELLECTUAL DEVELOPMENTAL DISORDER WITH BEHAVIORAL ABNORMALITIES AND VARIABLE BONE DEFECTS. Identifiers: MedGen C5436509, MONDO:0033544, OMIM 618971.

Allele frequency attached by ClinVar (database versions not stated): gnomAD exomes below 0.00001.
gnomAD v4.1: 1 of 1,613,120 alleles (0.000062%); highest among the groups gnomAD compares: South Asian, 0.0011%; no homozygotes.

Submission:

Neuberg Centre For Genomic Medicine, NCGM
Classification: Uncertain significance for Tolchin-Le Caignec syndrome. Review status: criteria provided, single submitter. Criteria: ACMG Guidelines, 2015. Collection method: clinical testing. Allele origin: germline. Inheritance: Autosomal dominant inheritance. Affected: yes.
Comment: The observed missense variant c.868C>G(p.Leu290Val) in SOX6 gene has not been reported previously as a pathogenic variant nor as a benign variant, to our knowledge. The c.868C>G variant is absent in gnomAD Exomes. The amino acid Leucine at position 290 is changed to a Valine changing protein sequence and it might alter its composition and physico-chemical properties. The amino acid change p.Leu290Val in SOX6 is predicted as conserved by GERP++ and PhyloP across 100 vertebrates. For these reasons, this variant has been classified as Uncertain Significance.